The following is an entry in ClinVar:

NM_001148.6(ANK2):c.6016C>T (p.His2006Tyr)

Genes: ANK2 (ankyrin 2; plus strand), LOC126807136 (MED14-independent group 3 enhancer GRCh37_chr4:114274931-114276130; plus strand). Cytogenetic location: 4q26.
Variant type: single nucleotide variant.
Coding change: c.6016C>T on transcript NM_001148.6 (MANE Select); coding-DNA position 6016, C replaced by T.
Protein change: p.His2006Tyr; replaces histidine 2006 with tyrosine.
Molecular consequence: missense variant. On other transcripts: intron variant (68).
Genome position (GRCh38, 1-based): chr4:113,354,634, C>T. VCF-style: chr4-113354634-C-T. GRCh37 (hg19) VCF-style: chr4-114275790-C-T.
Other names: c.5782C>T, p.His1928Tyr (NM_001386142.1); c.2416C>T, p.His806Tyr (NM_001386166.1); c.6157C>T, p.His2053Tyr (NM_001386174.1); c.6133C>T, p.His2045Tyr (NM_001386175.1); c.4411+4385C>T (NM_001386186.2, NM_001386148.2); c.4213+4385C>T (NM_001354269.3); c.4291+4385C>T (NM_001386187.2); c.4252+4385C>T (NM_001386147.1); and 35 more; short protein forms H806Y, H1928Y, H2006Y, H2045Y, H2053Y.
Identifiers: ClinVar variation 2079916 (VCV002079916.4), dbSNP rs150372845, ClinGen allele CA103812952.

ClinVar aggregate classification (germline): Uncertain significance (1 of 4 stars; one submission).

Conditions:
Long QT syndrome (LQTS). Identifiers: MedGen C0023976, MeSH D008133, MONDO:0002442. Disease mechanism: loss of function. Inheritance: Various modes of inheritance.

Allele frequency attached by ClinVar (database versions not stated): gnomAD exomes below 0.00001; TOPMed below 0.00001.
gnomAD v4.1: 1 of 1,614,086 alleles (0.000062%); highest among the groups gnomAD compares: East Asian, 0.0022%; no homozygotes.

Submission:

Labcorp Genetics (formerly Invitae), Labcorp
Classification: Uncertain significance for Long QT syndrome. Last evaluated: 2022-09-24. Review status: criteria provided, single submitter. Criteria: Invitae Variant Classification Sherloc (09022015). Collection method: clinical testing. Allele origin: germline.
Comment: This sequence change replaces histidine, which is basic and polar, with tyrosine, which is neutral and polar, at codon 2006 of the ANK2 protein (p.His2006Tyr). This variant is not present in population databases (gnomAD no frequency). This missense change has been observed in individual(s) with autism spectrum disorder (PMID: 30564305). Advanced modeling of protein sequence and biophysical properties (such as structural, functional, and spatial information, amino acid conservation, physicochemical variation, residue mobility, and thermodynamic stability) performed at Invitae indicates that this missense variant is expected to disrupt ANK2 protein function. In summary, the available evidence is currently insufficient to determine the role of this variant in disease. Therefore, it has been classified as a Variant of Uncertain Significance.

Literature cited by the submitters: PubMed 30564305.